The following is an entry in ClinVar:

ClinVar aggregate classification (germline): Uncertain significance. Review status: criteria provided, multiple submitters, no conflicts (2 of 4 stars). 6 submissions from 6 submitters: Uncertain significance (6). Last evaluated 2025-10-23.

Conditions:
Familial cancer of breast. Also called: BREAST CANCER, FAMILIAL; Hereditary breast cancer; hereditary breast carcinoma. Identifiers: Orphanet 227535, MedGen C0346153, MONDO:0016419, OMIM 114480. Disease mechanism: loss of function.
Hereditary cancer-predisposing syndrome. Also called: Neoplastic Syndromes, Hereditary; Tumor predisposition; Hereditary neoplastic syndrome; Hereditary Cancer Syndrome. Identifiers: Orphanet 140162, MedGen C0027672, MeSH D009386, MONDO:0015356.

Allele frequency attached by ClinVar (database versions not stated): TOPMed below 0.00001.

Submissions (6):

Labcorp Genetics (formerly Invitae), Labcorp
Classification: Uncertain significance for Familial cancer of breast. Last evaluated: 2025-10-23. Review status: criteria provided, single submitter. Criteria: Invitae Variant Classification Sherloc (09022015). Collection method: clinical testing. Allele origin: germline.
Comment: This sequence change replaces valine, which is neutral and non-polar, with methionine, which is neutral and non-polar, at codon 627 of the PALB2 protein (p.Val627Met). This variant is not present in population databases (gnomAD no frequency). This variant has not been reported in the literature in individuals affected with PALB2-related conditions. ClinVar contains an entry for this variant (Variation ID: 629420). Invitae Evidence Modeling of protein sequence and biophysical properties (such as structural, functional, and spatial information, amino acid conservation, physicochemical variation, residue mobility, and thermodynamic stability) indicates that this missense variant is not expected to disrupt PALB2 protein function with a negative predictive value of 80%. In summary, the available evidence is currently insufficient to determine the role of this variant in disease. Therefore, it has been classified as a Variant of Uncertain Significance.

ARUP Laboratories, Molecular Genetics and Genomics, ARUP Laboratories
Classification: Uncertain significance. Last evaluated: 2025-05-06. Review status: criteria provided, single submitter. Criteria: ARUP Molecular Germline Variant Investigation Process 2024. Collection method: clinical testing. Allele origin: germline.
Comment: The PALB2 c.1879G>A; p.Val627Met variant (rs1567218614), to our knowledge, is not reported in the literature but is reported in ClinVar (Variation ID: 629420). This variant is absent from the Genome Aggregation Database (v2.1.1), indicating it is not a common polymorphism. Computational analyses predict that this variant is neutral (REVEL: 0.077). Due to limited information, the clinical significance of this variant is uncertain at this time.

Quest Diagnostics Nichols Institute San Juan Capistrano
Classification: Uncertain significance. Last evaluated: 2025-04-28. Review status: criteria provided, single submitter. Criteria: Quest Diagnostics criteria. Collection method: clinical testing. Allele origin: unknown.
Comment: The PALB2 c.1879G>A (p.Val627Met) variant has not been reported in individuals with PALB2-related conditions in the published literature. It also has not been reported in large, multi-ethnic general populations (Genome Aggregation Database). Analysis of this variant using bioinformatics tools for the prediction of the effect of amino acid changes on protein structure and function yielded predictions that this variant is benign. Based on the available information, we are unable to determine the clinical significance of this variant.

Ambry Genetics
Classification: Uncertain significance for Hereditary cancer-predisposing syndrome. Last evaluated: 2024-02-27. Review status: criteria provided, single submitter. Criteria: Ambry Variant Classification Scheme 2023. Collection method: clinical testing. Allele origin: germline.
Comment: The p.V627M variant (also known as c.1879G>A), located in coding exon 5 of the PALB2 gene, results from a G to A substitution at nucleotide position 1879. The valine at codon 627 is replaced by methionine, an amino acid with highly similar properties. This amino acid position is poorly conserved in available vertebrate species. In addition, this alteration is predicted to be tolerated by in silico analysis. Since supporting evidence is limited at this time, the clinical significance of this alteration remains unclear.

Baylor Genetics
Classification: Uncertain significance for Familial cancer of breast. Last evaluated: 2023-12-05. Review status: criteria provided, single submitter. Criteria: ACMG Guidelines, 2015. Collection method: clinical testing. Allele origin: unknown.

Color Diagnostics, LLC DBA Color Health
Classification: Uncertain significance for Hereditary cancer-predisposing syndrome. Last evaluated: 2023-05-23. Review status: criteria provided, single submitter. Criteria: ACMG Guidelines, 2015. Collection method: clinical testing. Allele origin: germline.
Comment: This missense variant replaces valine with methionine at codon 627 of the PALB2 protein. Computational prediction suggests that this variant may not impact protein structure and function (internally defined REVEL score threshold <= 0.5, PMID: 27666373). To our knowledge, functional studies have not been reported for this variant. This variant has not been reported in individuals affected with PALB2-related disorders in the literature. This variant has not been identified in the general population by the Genome Aggregation Database (gnomAD). The available evidence is insufficient to determine the role of this variant in disease conclusively. Therefore, this variant is classified as a Variant of Uncertain Significance.

NM_024675.4(PALB2):c.1879G>A (p.Val627Met)

Gene: PALB2 (partner and localizer of BRCA2; minus strand). Cytogenetic location: 16p12.2.
Variant type: single nucleotide variant.
Coding change: c.1879G>A on transcript NM_024675.4 (MANE Select); coding-DNA position 1879, G replaced by A.
Protein change: p.Val627Met; replaces valine 627 with methionine.
Molecular consequence: missense variant.
Genome position (GRCh38, 1-based): chr16:23,630,275, C>T on the plus strand (G>A on the coding strand, the complement: PALB2 is on the minus strand). VCF-style: chr16-23630275-C-T. GRCh37 (hg19) VCF-style: chr16-23641596-C-T.
Other names: short protein forms V627M.
Identifiers: ClinVar variation 629420 (VCV000629420.22), dbSNP rs1567218614, ClinGen allele CA395127659.